The following is an entry in ClinVar:

NM_181426.2(CCDC39):c.2542_2546del (p.Glu848fs)

Genes: CCDC39 (coiled-coil domain 39 molecular ruler complex subunit; minus strand), TTC14 (tetratricopeptide repeat domain 14; plus strand). Cytogenetic location: 3q26.33.
Variant type: Deletion.
Coding change: c.2542_2546del on transcript NM_181426.2 (MANE Select); coding-DNA positions 2542 to 2546, 5 bases deleted (GAAAA; older notation c.2542_2546delGAAAA).
Protein change: p.Glu848fs; shifts the reading frame from glutamic acid 848.
Molecular consequence: frameshift variant. On other transcripts: intron variant (1).
Genome position (GRCh38, 1-based): chr3:180,616,556-180,616,560, TTTTC deleted on the plus strand (GAAAA on the coding strand, the reverse complement: CCDC39 is on the minus strand); deleting any 5 consecutive bases within chr3:180,616,556-180,616,562 gives the same sequence; the c. name uses the placement nearest the transcript's 3' end. VCF-style (leftmost placement, unchanged base first): chr3-180616555-ATTTTC-A. GRCh37 (hg19) VCF-style: chr3-180334343-ATTTTC-A.
Other names: c.1775-822_1775-818del (NM_001288582.2); short protein forms E848fs.
Identifiers: ClinVar variation 1456279 (VCV001456279.8), dbSNP rs750086296, ClinGen allele CA2715647.
Genomic context (GRCh38, chr3:180,616,555, plus strand): 5'-TAATAGAAGGTGCTGTATTACCTGTTGAAAGTATGTTTGAAGGATAATACGGATCTCAGT[ATTTTC>A]TTCTATGATATCAACTAACATTTCATCAATAACTTTGTGAAACTGTTTCATTTCACGAAG-3'

ClinVar aggregate classification (germline): Pathogenic (1 of 4 stars; one submission).

Conditions:
Primary ciliary dyskinesia. Also called: Ciliary dyskinesia. Identifiers: Orphanet 244, MedGen C0008780, MONDO:0016575, HP:0012265.

Submission:

Labcorp Genetics (formerly Invitae), Labcorp
Classification: Pathogenic for Primary ciliary dyskinesia. Last evaluated: 2024-12-17. Review status: criteria provided, single submitter. Criteria: Invitae Variant Classification Sherloc (09022015). Collection method: clinical testing. Allele origin: germline.
Comment: This sequence change creates a premature translational stop signal (p.Glu848Tyrfs*2) in the CCDC39 gene. It is expected to result in an absent or disrupted protein product. Loss-of-function variants in CCDC39 are known to be pathogenic (PMID: 21131972, 23255504). The frequency data for this variant in the population databases is considered unreliable, as metrics indicate poor data quality at this position in the gnomAD database. This variant has not been reported in the literature in individuals affected with CCDC39-related conditions. ClinVar contains an entry for this variant (Variation ID: 1456279). For these reasons, this variant has been classified as Pathogenic.

Literature cited by the submitters: PubMed 21131972; PubMed 23255504.